The following is an entry in ClinVar:

ClinVar aggregate classification (germline): Uncertain significance (1 of 4 stars; one submission).

Conditions:
Genitopatellar syndrome (GTPTS). Also called: ABSENT PATELLAE, SCROTAL HYPOPLASIA, RENAL ANOMALIES, FACIAL DYSMORPHISM, AND MENTAL RETARDATION; Genitopatellar syndrome (GPS). Identifiers: Orphanet 85201, MedGen C1853566, MONDO:0011640, OMIM 606170.

Submission:

Labcorp Genetics (formerly Invitae), Labcorp
Classification: Uncertain significance for Genitopatellar syndrome. Last evaluated: 2025-12-26. Review status: criteria provided, single submitter. Criteria: Invitae Variant Classification Sherloc (09022015). Collection method: clinical testing. Allele origin: germline.
Comment: This sequence change replaces glutamine, which is neutral and polar, with histidine, which is basic and polar, at codon 2024 of the KAT6B protein (p.Gln2024His). This variant is not present in population databases (gnomAD no frequency). This variant has not been reported in the literature in individuals affected with KAT6B-related conditions. ClinVar contains an entry for this variant (Variation ID: 1967126). An algorithm developed to predict the effect of missense changes on protein structure and function (PolyPhen-2) suggests that this variant is likely to be disruptive. In summary, the available evidence is currently insufficient to determine the role of this variant in disease. Therefore, it has been classified as a Variant of Uncertain Significance.

NM_012330.4(KAT6B):c.6072G>T (p.Gln2024His)

Gene: KAT6B (lysine acetyltransferase 6B; plus strand). Cytogenetic location: 10q22.2.
Variant type: single nucleotide variant.
Coding change: c.6072G>T on transcript NM_012330.4 (MANE Select); coding-DNA position 6072, G replaced by T.
Protein change: p.Gln2024His; replaces glutamine 2024 with histidine.
Molecular consequence: missense variant.
Genome position (GRCh38, 1-based): chr10:75,030,896, G>T. VCF-style: chr10-75030896-G-T. GRCh37 (hg19) VCF-style: chr10-76790654-G-T.
Other names: c.5523G>T, p.Gln1841His (NM_001256468.2, NM_001370138.1); c.5196G>T, p.Gln1732His (NM_001256469.2, NM_001370139.1, NM_001370140.1 and 2 more transcripts); c.5034G>T, p.Gln1678His (NM_001370132.1); c.4383G>T, p.Gln1461His (NM_001370133.1); c.3987G>T, p.Gln1329His (NM_001370134.1); c.3729G>T, p.Gln1243His (NM_001370135.1); c.6072G>T, p.Gln2024His (NM_001370136.1, NM_001370137.1); c.5007G>T, p.Gln1669His (NM_001370143.1, NM_001370144.1); short protein forms Q1329H, Q1669H, Q1678H, Q1732H, Q1243H, Q1841H, Q2024H, Q1461H.
Identifiers: ClinVar variation 1967126 (VCV001967126.5), dbSNP rs779040271, ClinGen allele CA377302908.
Genomic context (GRCh38, chr10:75,030,896, plus strand): 5'-TGGCTACCACAGCAATCATGGCTATATGAATCAAACGCCCCAATACCCTATGCAGATGCA[G>T]ATGGGCATGATGGGCACCCAGCCATATGCCCAGCAGCCAATGCAGACCCCACCCCACGGT-3'
Protein context (NP_036462.2, residues 2014-2034): NQTPQYPMQM[Gln2024His]MGMMGTQPYA